The following is an entry in ClinVar:

NM_001126108.2(SLC12A3):c.1670-1G>A

Gene: SLC12A3 (solute carrier family 12 member 3; plus strand). Cytogenetic location: 16q13.
Variant type: single nucleotide variant.
Coding change: c.1670-1G>A on transcript NM_001126108.2 (MANE Select); the canonical splice acceptor site of the intron before coding-DNA position 1670, G replaced by A.
Molecular consequence: splice acceptor variant.
Genome position (GRCh38, 1-based): chr16:56,884,048, G>A. VCF-style: chr16-56884048-G-A. GRCh37 (hg19) VCF-style: chr16-56917960-G-A.
Other names: c.1670-1G>A (NM_000339.3); c.1667-1G>A (NM_001126107.2, NM_001410896.1).
Identifiers: ClinVar variation 4061420 (VCV004061420.2).

ClinVar aggregate classification (germline): Pathogenic (1 of 4 stars; one submission).

Conditions:
Familial hypokalemia-hypomagnesemia (GTLMNS). Also called: HYPOMAGNESEMIA-HYPOKALEMIA, PRIMARY RENOTUBULAR, WITH HYPOCALCIURIA; POTASSIUM AND MAGNESIUM DEPLETION; gitelman syndrome. Identifiers: Orphanet 358, MedGen C0268450, MONDO:0009904, OMIM 263800.

gnomAD v4.1: 4 of 1,614,158 alleles (0.00025%); highest among the groups gnomAD compares: Non-Finnish European, 0.00034%; no homozygotes.

Submission:

Natera, Inc.
Classification: Pathogenic for Gitelman syndrome. Last evaluated: 2025-02-18. Review status: criteria provided, single submitter. Criteria: Natera Variant Classification Schema (03/2026). Collection method: clinical testing. Allele origin: germline.
Comment: The c.1670-1G>A variant in SLC12A3 is a canonical splice acceptor site variant predicted to affect pre-mRNA splicing, which may result in an abnormal transcript and altered protein product. This variant is expected to result in nonsense mediated decay, truncation, or a dysfunctional protein product. This variant is rare in the general population with a frequency below the threshold expected for the associated phenotype(s). Another variant at this same site results in an alteration predicted to cause a similar molecular effect has been observed in individual(s) with the associated phenotype. Given the available evidence, this variant is classified as Pathogenic.